The following is an entry in ClinVar:

ClinVar aggregate classification (germline): Likely benign (0 of 4 stars; one submission).

Conditions:
CYP7A1-related disorder. Also called: CYP7A1-related condition.

Submission:

PreventionGenetics, part of Exact Sciences
Classification: Likely benign for CYP7A1-related condition. Last evaluated: 2021-04-14. Review status: no assertion criteria provided. Collection method: clinical testing. Allele origin: germline.
Comment: This variant is classified as likely benign based on ACMG/AMP sequence variant interpretation guidelines (Richards et al. 2015 PMID: 25741868, with internal and published modifications).

NM_000780.4(CYP7A1):c.627C>T (p.Phe209=)

Gene: CYP7A1 (cytochrome P450 family 7 subfamily A member 1; minus strand). Cytogenetic location: 8q12.1.
Variant type: single nucleotide variant.
Coding change: c.627C>T on transcript NM_000780.4 (MANE Select); coding-DNA position 627, C replaced by T.
Protein change: p.Phe209=; no amino-acid change (phenylalanine 209 retained).
Molecular consequence: synonymous variant.
Genome position (GRCh38, 1-based): chr8:58,496,885, G>A on the plus strand (C>T on the coding strand, the complement: CYP7A1 is on the minus strand). VCF-style: chr8-58496885-G-A. GRCh37 (hg19) VCF-style: chr8-59409444-G-A.
Identifiers: ClinVar variation 3030025 (VCV003030025.2), dbSNP rs2487038931, ClinGen allele CA461103023.